The following is an entry in ClinVar:

ClinVar aggregate classification (germline): Conflicting classifications of pathogenicity. Review status: criteria provided, conflicting classifications (1 of 4 stars). 2 submissions from 2 submitters: Uncertain significance (1); Likely benign (1). Last evaluated 2026-01-26.

Conditions:
KBG syndrome (KBGS). Also called: ANKRD11-Related KBG Syndrome. Identifiers: Orphanet 2332, MedGen C0220687, MONDO:0007846, OMIM 148050.

Allele frequency attached by ClinVar (database versions not stated): TOPMed 0.00002; gnomAD exomes 0.00003.
gnomAD v4.1: 25 of 1,535,238 alleles (0.0016%); highest among the groups gnomAD compares: Admixed American, 0.0039%; no homozygotes.

Submissions (2):

Labcorp Genetics (formerly Invitae), Labcorp
Classification: Uncertain significance for KBG syndrome. Last evaluated: 2026-01-26. Review status: criteria provided, single submitter. Criteria: Invitae Variant Classification Sherloc (09022015). Collection method: clinical testing. Allele origin: germline.
Comment: This sequence change replaces proline, which is neutral and non-polar, with arginine, which is basic and polar, at codon 2274 of the ANKRD11 protein (p.Pro2274Arg). This variant is present in population databases (no rsID available, gnomAD 0.01%). This variant has not been reported in the literature in individuals affected with ANKRD11-related conditions. ClinVar contains an entry for this variant (Variation ID: 1014260). Invitae Evidence Modeling of protein sequence and biophysical properties (such as structural, functional, and spatial information, amino acid conservation, physicochemical variation, residue mobility, and thermodynamic stability) indicates that this missense variant is not expected to disrupt ANKRD11 protein function with a negative predictive value of 95%. In summary, the available evidence is currently insufficient to determine the role of this variant in disease. Therefore, it has been classified as a Variant of Uncertain Significance.

Laboratory of Genetics, Children's Clinical University Hospital Latvia
Classification: Likely benign. Last evaluated: 2025-02-16. Review status: criteria provided, single submitter. Criteria: ACMG Guidelines, 2015. Collection method: clinical testing. Allele origin: germline. Affected: yes.

NM_013275.6(ANKRD11):c.6821C>G (p.Pro2274Arg)

Gene: ANKRD11 (ankyrin repeat domain 11; minus strand). Cytogenetic location: 16q24.3.
Variant type: single nucleotide variant.
Coding change: c.6821C>G on transcript NM_013275.6 (MANE Select); coding-DNA position 6821, C replaced by G.
Protein change: p.Pro2274Arg; replaces proline 2274 with arginine.
Molecular consequence: missense variant.
Genome position (GRCh38, 1-based): chr16:89,279,721, G>C on the plus strand (C>G on the coding strand, the complement: ANKRD11 is on the minus strand). VCF-style: chr16-89279721-G-C. GRCh37 (hg19) VCF-style: chr16-89346129-G-C.
Other names: c.6821C>G, p.Pro2274Arg (NM_001256182.2, NM_001256183.2); short protein forms P2274R.
Identifiers: ClinVar variation 1014260 (VCV001014260.11), dbSNP rs1325611711, ClinGen allele CA397149905.